The following is an entry in ClinVar:

NM_001379200.1(TBX1):c.341C>T (p.Ala114Val)

Gene: TBX1 (T-box transcription factor 1; plus strand). Cytogenetic location: 22q11.21.
Variant type: single nucleotide variant.
Coding change: c.341C>T on transcript NM_001379200.1 (MANE Select); coding-DNA position 341, C replaced by T.
Protein change: p.Ala114Val; replaces alanine 114 with valine.
Molecular consequence: missense variant.
Genome position (GRCh38, 1-based): chr22:19,761,184, C>T. VCF-style: chr22-19761184-C-T. GRCh37 (hg19) VCF-style: chr22-19748707-C-T.
Other names: c.314C>T, p.Ala105Val (NM_005992.1, NM_080646.2, NM_080647.1); short protein forms A114V, A105V.
Identifiers: ClinVar variation 1911048 (VCV001911048.5), dbSNP rs1462448271, ClinGen allele CA410681653.

ClinVar aggregate classification (germline): Uncertain significance (1 of 4 stars; one submission).

Conditions:
DiGeorge syndrome. Also called: THIRD AND FOURTH PHARYNGEAL POUCH SYNDROME; Catch22. Identifiers: Orphanet 567, MedGen C0012236, MONDO:0008564, OMIM 188400.

Allele frequency attached by ClinVar (database versions not stated): gnomAD 0.00001; TOPMed 0.00001.
gnomAD v4.1: 3 of 1,540,380 alleles (0.00019%); highest among the groups gnomAD compares: African/African-American, 0.0029%; no homozygotes.

Submission:

Labcorp Genetics (formerly Invitae), Labcorp
Classification: Uncertain significance for DiGeorge syndrome. Last evaluated: 2021-12-27. Review status: criteria provided, single submitter. Criteria: Invitae Variant Classification Sherloc (09022015). Collection method: clinical testing. Allele origin: germline.
Comment: In summary, the available evidence is currently insufficient to determine the role of this variant in disease. Therefore, it has been classified as a Variant of Uncertain Significance. Algorithms developed to predict the effect of missense changes on protein structure and function are either unavailable or do not agree on the potential impact of this missense change (SIFT: "Deleterious"; PolyPhen-2: "Benign"; Align-GVGD: "Class C0"). This variant has not been reported in the literature in individuals affected with TBX1-related conditions. This variant is present in population databases (no rsID available, gnomAD 0.01%). This sequence change replaces alanine, which is neutral and non-polar, with valine, which is neutral and non-polar, at codon 105 of the TBX1 protein (p.Ala105Val).